The following is an entry in ClinVar:

NM_001100.4(ACTA1):c.659A>T (p.Tyr220Phe)

Gene: ACTA1 (actin alpha 1, skeletal muscle; minus strand). Cytogenetic location: 1q42.13.
Variant type: single nucleotide variant.
Coding change: c.659A>T on transcript NM_001100.4 (MANE Select); coding-DNA position 659, A replaced by T.
Protein change: p.Tyr220Phe; replaces tyrosine 220 with phenylalanine.
Molecular consequence: missense variant.
Genome position (GRCh38, 1-based): chr1:229,432,143, T>A on the plus strand (A>T on the coding strand, the complement: ACTA1 is on the minus strand). VCF-style: chr1-229432143-T-A. GRCh37 (hg19) VCF-style: chr1-229567890-T-A.
Other names: short protein forms Y220F.
Identifiers: ClinVar variation 659561 (VCV000659561.9), dbSNP rs1571893107, ClinGen allele CA345147207.

ClinVar aggregate classification (germline): Uncertain significance (1 of 4 stars; one submission).

Conditions:
Actin accumulation myopathy (CMYO2A). Also called: Myopathy, actin, congenital, with cores; Nemaline myopathy 3, with intranuclear rods; Nemaline myopathy type 3; Myopathy, actin, congenital, with excess of thin myofilaments; CONGENITAL MYOPATHY 2A, TYPICAL, AUTOSOMAL DOMINANT. Identifiers: Orphanet 98904, MedGen C3711389, MONDO:0008070, OMIM 161800.

Submission:

Labcorp Genetics (formerly Invitae), Labcorp
Classification: Uncertain significance for Actin accumulation myopathy. Last evaluated: 2018-12-03. Review status: criteria provided, single submitter. Criteria: Invitae Variant Classification Sherloc (09022015). Collection method: clinical testing. Allele origin: germline.
Comment: In summary, the available evidence is currently insufficient to determine the role of this variant in disease. Therefore, it has been classified as a Variant of Uncertain Significance. Algorithms developed to predict the effect of missense changes on protein structure and function are either unavailable or do not agree on the potential impact of this missense change (SIFT: "Tolerated"; PolyPhen-2: "Possibly Damaging"; Align-GVGD: "Class C0"). This variant has not been reported in the literature in individuals with ACTA1-related conditions. This variant is not present in population databases (ExAC no frequency). This sequence change replaces tyrosine with phenylalanine at codon 220 of the ACTA1 protein (p.Tyr220Phe). The tyrosine residue is highly conserved and there is a small physicochemical difference between tyrosine and phenylalanine.